The following is an entry in ClinVar:

ClinVar aggregate classification (germline): Uncertain significance (1 of 4 stars; one submission).

Submission:

GeneDx
Classification: Uncertain significance. Last evaluated: 2022-04-21. Review status: criteria provided, single submitter. Criteria: GeneDx Variant Classification Process June 2021. Collection method: clinical testing. Allele origin: germline. Affected: yes.
Comment: Not observed at significant frequency in large population cohorts (gnomAD); Nonsense variant predicted to result in protein truncation or nonsense mediated decay in a gene or region of a gene for which loss of function is not a well-established mechanism of disease; Has not been previously published as pathogenic or benign to our knowledge

NM_181552.4(CUX1):c.1990G>T (p.Glu664Ter)

Gene: CUX1 (cut like homeobox 1; plus strand). Cytogenetic location: 7q22.1.
Variant type: single nucleotide variant.
Coding change: c.1990G>T on transcript NM_181552.4 (MANE Select); coding-DNA position 1990, G replaced by T.
Protein change: p.Glu664Ter; replaces glutamic acid 664 with a stop codon.
Molecular consequence: nonsense. On other transcripts: intron variant (5).
Genome position (GRCh38, 1-based): chr7:102,200,100, G>T. VCF-style: chr7-102200100-G-T. GRCh37 (hg19) VCF-style: chr7-101843380-G-T.
Other names: c.2023G>T, p.Glu675Ter (NM_001202543.2); c.1255+4497G>T (NM_001913.5); c.1249+4497G>T (NM_181500.4); c.1117+4497G>T (NM_001202545.3); c.1207+4497G>T (NM_001202544.3); c.1138+4497G>T (NM_001202546.3); short protein forms E664*, E675*.
Identifiers: ClinVar variation 1712869 (VCV001712869.2), dbSNP rs1795257129, ClinGen allele CA368679290.